The following is an entry in ClinVar:

NM_002541.4(OGDH):c.1483A>C (p.Ser495Arg)

Gene: OGDH (oxoglutarate dehydrogenase; plus strand). Cytogenetic location: 7p13.
Variant type: single nucleotide variant.
Coding change: c.1483A>C on transcript NM_002541.4 (MANE Select); coding-DNA position 1483, A replaced by C.
Protein change: p.Ser495Arg; replaces serine 495 with arginine.
Molecular consequence: missense variant.
Genome position (GRCh38, 1-based): chr7:44,693,972, A>C. VCF-style: chr7-44693972-A-C. GRCh37 (hg19) VCF-style: chr7-44733571-A-C.
Other names: c.1471A>C, p.Ser491Arg (NM_001165036.2); c.1516A>C, p.Ser506Arg (NM_001363523.2); short protein forms S495R, S506R, S491R.
Identifiers: ClinVar variation 2150790 (VCV002150790.3), dbSNP rs2230446, ClinGen allele CA4243843.

ClinVar aggregate classification (germline): Uncertain significance (1 of 4 stars; one submission).

Conditions:
Oxoglutaricaciduria. Identifiers: Orphanet 31, MedGen C2752074, MONDO:0008759, OMIM 203740.

Allele frequency attached by ClinVar (database versions not stated): TOPMed 0.00005; gnomAD 0.00019; gnomAD exomes 0.00010; ExAC 0.00014; ESP Exome Variant Server 0.00015.
gnomAD v4.1: 176 of 1,613,612 alleles (0.011%); highest among the groups gnomAD compares: Middle Eastern, 0.033%; no homozygotes.

Submission:

Labcorp Genetics (formerly Invitae), Labcorp
Classification: Uncertain significance for Oxoglutaricaciduria. Last evaluated: 2025-10-02. Review status: criteria provided, single submitter. Criteria: Invitae Variant Classification Sherloc (09022015). Collection method: clinical testing. Allele origin: germline.
Comment: This sequence change replaces serine, which is neutral and polar, with arginine, which is basic and polar, at codon 495 of the OGDH protein (p.Ser495Arg). This variant is present in population databases (rs2230446, gnomAD 0.04%). This variant has not been reported in the literature in individuals affected with OGDH-related conditions. ClinVar contains an entry for this variant (Variation ID: 2150790). Invitae Evidence Modeling of protein sequence and biophysical properties (such as structural, functional, and spatial information, amino acid conservation, physicochemical variation, residue mobility, and thermodynamic stability) indicates that this missense variant is not expected to disrupt OGDH protein function with a negative predictive value of 80%. In summary, the available evidence is currently insufficient to determine the role of this variant in disease. Therefore, it has been classified as a Variant of Uncertain Significance.